The following is an entry in ClinVar:

ClinVar aggregate classification (germline): Pathogenic. Review status: criteria provided, multiple submitters, no conflicts (2 of 4 stars). 3 submissions from 3 submitters: Pathogenic (2). 1 of the submissions does not count toward it. Last evaluated 2024-02-12.

Conditions:
Tuberous sclerosis 2 (TSC2). Identifiers: Orphanet 805, MedGen C1860707, MONDO:0013199, OMIM 613254.
Tuberous sclerosis syndrome (TSC). Also called: Tuberous Sclerosis Complex; Tuberous sclerosis. Identifiers: Orphanet 805, MedGen C0041341, MONDO:0001734.

Submissions (3):

Labcorp Genetics (formerly Invitae), Labcorp
Classification: Pathogenic for Tuberous sclerosis 2. Last evaluated: 2024-02-12. Review status: criteria provided, single submitter. Criteria: Invitae Variant Classification Sherloc (09022015). Collection method: clinical testing. Allele origin: germline.
Comment: This sequence change affects a donor splice site in intron 4 of the TSC2 gene. It is expected to disrupt RNA splicing. Variants that disrupt the donor or acceptor splice site typically lead to a loss of protein function (PMID: 16199547), and loss-of-function variants in TSC2 are known to be pathogenic (PMID: 10205261, 17304050). This variant is not present in population databases (gnomAD no frequency). Disruption of this splice site has been observed in individual(s) with tuberous sclerosis complex (TSC2) (PMID: 12015165, 21520333). In at least one individual the variant was observed to be de novo. ClinVar contains an entry for this variant (Variation ID: 50064). Algorithms developed to predict the effect of sequence changes on RNA splicing suggest that this variant may disrupt the consensus splice site. For these reasons, this variant has been classified as Pathogenic.

GeneDx
Classification: Pathogenic. Last evaluated: 2023-03-29. Review status: criteria provided, single submitter. Criteria: GeneDx Variant Classification Process June 2021. Collection method: clinical testing. Allele origin: germline. Affected: yes.
Comment: Identified as a somatic variant in a patient with seizures and focal cortical dysplasia type II, although additional clinical information was not provided (Macdonald-Laurs et al., 2023); Canonical splice site variant expected to result in aberrant splicing, although in the absence of functional evidence the actual effect of this sequence change is unknown.; Deletions involving coding exons of this gene are a known mechanism of disease (HGMD); Not observed at significant frequency in large population cohorts (gnomAD); This variant is associated with the following publications: (PMID: 25525159, 21533266, 21520333, 35403742, 12015165, 17304050, 36527426)

Tuberous sclerosis database (TSC2)
No classification provided. Condition: TSC. Review status: no classification provided. Criteria: Tuberous Sclerosis Database Assertion Criteria 2015. Collection method: curation. Allele origin: germline. Affected: yes. Not counted in ClinVar's aggregate classification.

Literature cited by the submitters: PubMed 16199547 (cited by Labcorp Genetics (formerly Invitae), Labcorp); PubMed 10205261 (cited by Labcorp Genetics (formerly Invitae), Labcorp); PubMed 17304050 (cited by Labcorp Genetics (formerly Invitae), Labcorp); PubMed 12015165 (cited by Labcorp Genetics (formerly Invitae), Labcorp); PubMed 21520333 (cited by Labcorp Genetics (formerly Invitae), Labcorp).

NM_000548.5(TSC2):c.336+1G>A

Gene: TSC2 (TSC complex subunit 2; plus strand). Cytogenetic location: 16p13.3.
Variant type: single nucleotide variant.
Coding change: c.336+1G>A on transcript NM_000548.5 (MANE Select); the canonical splice donor site of the intron after coding-DNA position 336, G replaced by A.
Molecular consequence: splice donor variant. On other transcripts: missense variant (3), 5 prime UTR variant (1), intron variant (9).
Genome position (GRCh38, 1-based): chr16:2,053,453, G>A. VCF-style: chr16-2053453-G-A. GRCh37 (hg19) VCF-style: chr16-2103454-G-A.
Other names: c.337G>A, p.Val113Ile (NM_001406667.1, NM_001406668.1); c.190G>A, p.Val64Ile (NM_001406677.1); c.-1401G>A (NM_001406693.1); c.-481+1G>A (NM_001406680.1, NM_001406683.1, NM_001406687.1); c.-1096+1G>A (NM_001406689.1, NM_001406690.1, NM_001406692.1 and 2 more transcripts); c.-1272+1G>A (NM_001406698.1); c.336+1G>A (NM_001114382.3, NM_001406663.1, NM_001406664.1 and 8 more transcripts); c.-977+1G>A (NM_001406694.1, NM_001406695.1); and 6 more; short protein forms V113I, V64I.
Identifiers: ClinVar variation 50064 (VCV000050064.10), dbSNP rs45517102, ClinGen allele CA018966.